The following is an entry in ClinVar:

NM_003640.5(ELP1):c.3432del (p.Lys1145fs)

Gene: ELP1 (elongator acetyltransferase complex subunit 1; minus strand). Cytogenetic location: 9q31.3.
Variant type: Deletion.
Coding change: c.3432del on transcript NM_003640.5 (MANE Select); coding-DNA position 3432, one base deleted (C; older notation c.3432delC).
Protein change: p.Lys1145fs; shifts the reading frame from lysine 1145.
Molecular consequence: frameshift variant.
Genome position (GRCh38, 1-based): chr9:108,880,080, G deleted on the plus strand (C on the coding strand, the reverse complement: ELP1 is on the minus strand). VCF-style (leftmost placement, unchanged base first): chr9-108880079-TG-T. GRCh37 (hg19) VCF-style: chr9-111642359-TG-T.
Other names: c.3090del, p.Lys1031fs (NM_001318360.2); c.2385del, p.Lys796fs (NM_001330749.2); short protein forms K1031fs, K1145fs, K796fs.
Identifiers: ClinVar variation 5014422 (VCV005014422.1).

ClinVar aggregate classification (germline): Pathogenic (1 of 4 stars; one submission).

Conditions:
Familial dysautonomia. Also called: HSAN III; FD. Identifiers: Orphanet 1764, MedGen C0013364, MONDO:0009131, OMIM 223900. Disease mechanism: loss of function.

Submission:

Myriad Genetics, Inc.
Classification: Pathogenic for Familial dysautonomia. Last evaluated: 2025-05-10. Review status: criteria provided, single submitter. Criteria: Myriad Autosomal Dominant, Autosomal Recessive and X-Linked Classification Criteria (2023). Collection method: clinical testing. Allele origin: unknown.
Comment: NM_003640.3(ELP1):c.3432delC(K1145Rfs*29) is expected to be pathogenic in the context of familial dysautonomia. This variant is predicted to lead to an abnormal or absent protein product due to the creation of a premature termination codon in ELP1, a gene where loss-of-function variants are known to be pathogenic. Please note: this variant was assessed in the context of healthy population screening.